The following is an entry in ClinVar:

NM_001692.4(ATP6V1B1):c.477C>A (p.Tyr159Ter)

Gene: ATP6V1B1 (ATPase H+ transporting V1 subunit B1; plus strand). Cytogenetic location: 2p13.3.
Variant type: single nucleotide variant.
Coding change: c.477C>A on transcript NM_001692.4 (MANE Select); coding-DNA position 477, C replaced by A.
Protein change: p.Tyr159Ter; replaces tyrosine 159 with a stop codon.
Molecular consequence: nonsense.
Genome position (GRCh38, 1-based): chr2:70,959,970, C>A. VCF-style: chr2-70959970-C-A. GRCh37 (hg19) VCF-style: chr2-71187100-C-A.
Other names: c.477C>A (NM_001692.3); short protein forms Y159*.
Identifiers: ClinVar variation 1457062 (VCV001457062.8), dbSNP rs781885999, ClinGen allele CA347181879.

ClinVar aggregate classification (germline): Pathogenic/Likely pathogenic. Review status: criteria provided, multiple submitters, no conflicts (2 of 4 stars). 2 submissions from 2 submitters: Pathogenic (1); Likely pathogenic (1). Last evaluated 2025-10-03.

Conditions:
Renal tubular acidosis with progressive nerve deafness. Also called: renal tubular acidosis, distal, 2, with progressive sensorineural hearing loss; RENAL TUBULAR ACIDOSIS, AUTOSOMAL RECESSIVE, WITH PROGRESSIVE NERVE DEAFNESS; RTA WITH PROGRESSIVE NERVE DEAFNESS; Distal Renal Tubular Acidosis with Progressive Sensorineural Deafness. Identifiers: MedGen C0403554, MONDO:0009968, OMIM 267300.

Allele frequency attached by ClinVar (database versions not stated): gnomAD exomes below 0.00001.

Submissions (2):

Natera, Inc.
Classification: Likely pathogenic for Renal tubular acidosis with progressive nerve deafness. Last evaluated: 2025-10-03. Review status: criteria provided, single submitter. Criteria: Natera Variant Classification Schema (03/2026). Collection method: clinical testing. Allele origin: germline.
Comment: The c.477C>A variant in ATP6V1B1 is a nonsense variant predicted to introduce a stop codon at amino acid 159. This variant is expected to result in nonsense mediated decay, truncation, or a dysfunctional protein product. This variant is rare in the general population with a frequency below the threshold expected for the associated phenotype(s). Given the available evidence, this variant is classified as Likely Pathogenic.

Labcorp Genetics (formerly Invitae), Labcorp
Classification: Pathogenic. Last evaluated: 2024-05-07. Review status: criteria provided, single submitter. Criteria: Invitae Variant Classification Sherloc (09022015). Collection method: clinical testing. Allele origin: germline.
Comment: This sequence change creates a premature translational stop signal (p.Tyr159*) in the ATP6V1B1 gene. It is expected to result in an absent or disrupted protein product. Loss-of-function variants in ATP6V1B1 are known to be pathogenic (PMID: 9916796, 18368028). This variant is present in population databases (no rsID available, gnomAD 0.003%). This variant has not been reported in the literature in individuals affected with ATP6V1B1-related conditions. ClinVar contains an entry for this variant (Variation ID: 1457062). For these reasons, this variant has been classified as Pathogenic.

Literature cited by the submitters: PubMed 9916796 (cited by Labcorp Genetics (formerly Invitae), Labcorp); PubMed 18368028 (cited by Labcorp Genetics (formerly Invitae), Labcorp).